The following is an entry in ClinVar:

NM_001164508.2(NEB):c.9448G>A (p.Gly3150Ser)

Gene: NEB (nebulin; minus strand). Cytogenetic location: 2q23.3.
Variant type: single nucleotide variant.
Coding change: c.9448G>A on transcript NM_001164508.2 (MANE Select); coding-DNA position 9448, G replaced by A.
Protein change: p.Gly3150Ser; replaces glycine 3150 with serine.
Molecular consequence: missense variant. On other transcripts: intron variant (1).
Genome position (GRCh38, 1-based): chr2:151,631,313, C>T on the plus strand (G>A on the coding strand, the complement: NEB is on the minus strand). VCF-style: chr2-151631313-C-T. GRCh37 (hg19) VCF-style: chr2-152487827-C-T.
Other names: c.9448G>A, p.Gly3150Ser (NM_001164507.2, NM_001271208.2); c.8854-135G>A (NM_004543.5); short protein forms G3150S.
Identifiers: ClinVar variation 1991597 (VCV001991597.1), dbSNP rs745445273, ClinGen allele CA348801314.

ClinVar aggregate classification (germline): Uncertain significance (1 of 4 stars; one submission).

Conditions:
Nemaline myopathy 2 (NEM2). Also called: Nemaline myopathy 2, autosomal recessive. Identifiers: MedGen C1850569, MONDO:0009725, OMIM 256030.

Allele frequency attached by ClinVar (database versions not stated): gnomAD 0.00001.
gnomAD v4.1: 10 of 1,613,786 alleles (0.00062%); highest among the groups gnomAD compares: East Asian, 0.0045%; no homozygotes.

Submission:

Labcorp Genetics (formerly Invitae), Labcorp
Classification: Uncertain significance for Nemaline myopathy 2. Last evaluated: 2022-05-06. Review status: criteria provided, single submitter. Criteria: Invitae Variant Classification Sherloc (09022015). Collection method: clinical testing. Allele origin: germline.
Comment: This sequence change replaces glycine, which is neutral and non-polar, with serine, which is neutral and polar, at codon 3150 of the NEB protein (p.Gly3150Ser). This variant is not present in population databases (gnomAD no frequency). This variant has not been reported in the literature in individuals affected with NEB-related conditions. Algorithms developed to predict the effect of missense changes on protein structure and function are either unavailable or do not agree on the potential impact of this missense change (SIFT: "Deleterious"; PolyPhen-2: "Not Available"; Align-GVGD: "Class C0"). In summary, the available evidence is currently insufficient to determine the role of this variant in disease. Therefore, it has been classified as a Variant of Uncertain Significance.